The following is an entry in ClinVar:

NM_139027.6(ADAMTS13):c.1787-7C>T

Gene: ADAMTS13 (ADAM metallopeptidase with thrombospondin type 1 motif 13; plus strand). Cytogenetic location: 9q34.2.
Variant type: single nucleotide variant.
Coding change: c.1787-7C>T on transcript NM_139027.6 (MANE Select); 7 bases into the intron before coding-DNA position 1787, C replaced by T.
Molecular consequence: intron variant.
Genome position (GRCh38, 1-based): chr9:133,440,337, C>T. VCF-style: chr9-133440337-C-T. GRCh37 (hg19) VCF-style: chr9-136305458-C-T.
Other names: p.?; c.1787-7C>T (NM_139025.5); c.1694-7C>T (NM_139026.6).
Identifiers: ClinVar variation 713872 (VCV000713872.10), dbSNP rs144432149, ClinGen allele CA200932217.

ClinVar aggregate classification (germline): Benign. Review status: criteria provided, multiple submitters, no conflicts (2 of 4 stars). 2 submissions from 2 submitters: Benign (2). Last evaluated 2026-01-26.

Allele frequency attached by ClinVar (database versions not stated): gnomAD exomes 0.00044 and 0.00109; ExAC 0.00145; gnomAD 0.00462 and 0.00493; 1000 Genomes Project 0.00479; 1000 Genomes Project 30x 0.00531; TOPMed 0.00532; ESP Exome Variant Server 0.00569.
gnomAD v4.1: 1,372 of 1,613,932 alleles (0.085%); highest among the groups gnomAD compares: African/African-American, 1.7%; 14 homozygotes.

Submissions (2):

Labcorp Genetics (formerly Invitae), Labcorp
Classification: Benign. Last evaluated: 2026-01-26. Review status: criteria provided, single submitter. Criteria: Invitae Variant Classification Sherloc (09022015). Collection method: clinical testing. Allele origin: germline.

Mayo Clinic Laboratories, Mayo Clinic
Classification: Benign. Last evaluated: 2025-05-28. Review status: criteria provided, single submitter. Criteria: ACMG Guidelines, 2015. Collection method: clinical testing. Allele origin: germline. Observed: 30 variant alleles.
Comment: BS1_stand-alone, BS2, BP4, BP7

Literature cited by the submitters: PubMed 20682599 (cited by Mayo Clinic Laboratories, Mayo Clinic).